The following is an entry in ClinVar:

ClinVar aggregate classification (germline): Likely pathogenic (0 of 4 stars; one submission).

Conditions:
Dilated cardiomyopathy 1G (CMD1G). Identifiers: Orphanet 154, MedGen C1858763, MONDO:0011400, OMIM 604145.

Submission:

Department of Obstetrics and Gynecology, Women and Children’s Hospital Affiliated to Ningbo University
Classification: Likely pathogenic for Dilated cardiomyopathy 1G. Last evaluated: 2025-10-13. Review status: no assertion criteria provided. Collection method: clinical testing. Allele origin: maternal. Affected: yes.
Comment: The TTN c.57403C>T is a nonsense variant and located in the 294th exon (a total of 363 exons) of NM_001267550.2 transcript. Loss of function is known mechanisms of TTN-related diseases (ClinGen HI value = 3). Not observed at significant frequency in large population cohorts (gnomAD); Located in the A-band, a region of TTN for which truncating variants are significantly associated with autosomal recessive skeletal myopathies and also with autosomal dominant cardiomyopathy (PMID: 29131758, 34731013, 36854701). Therefore, this variant has been classified as Likely Pathogenic.

Literature cited by the submitters: PubMed 29131758; PubMed 34731013; PubMed 36854701.

NM_001267550.2(TTN):c.57403C>T (p.Gln19135Ter)

Genes: TTN (titin; minus strand), TTN-AS1 (TTN antisense RNA 1; plus strand). Cytogenetic location: 2q31.2.
Variant type: single nucleotide variant.
Coding change: c.57403C>T on transcript NM_001267550.2 (MANE Select); coding-DNA position 57403, C replaced by T.
Protein change: p.Gln19135Ter; replaces glutamine 19135 with a stop codon.
Molecular consequence: nonsense. On other transcripts: non-coding transcript variant (2).
Genome position (GRCh38, 1-based): chr2:178,597,679, G>A on the plus strand (C>T on the coding strand, the complement: TTN is on the minus strand). VCF-style: chr2-178597679-G-A. GRCh37 (hg19) VCF-style: chr2-179462406-G-A.
Other names: c.52480C>T, p.Gln17494Ter (NM_001256850.1); c.30208C>T, p.Gln10070Ter (NM_003319.4); c.49699C>T, p.Gln16567Ter (NM_133378.4); c.30583C>T, p.Gln10195Ter (NM_133432.3); c.30784C>T, p.Gln10262Ter (NM_133437.4); short protein forms Q10070*, Q10195*, Q10262*, Q16567*, Q17494*, Q19135*.
Identifiers: ClinVar variation 4813314 (VCV004813314.1).
Genomic context (GRCh38, chr2:178,597,679, plus strand): 5'-TCTGGCAGTTCTTGATGACCATGGATGAGCTAATGGCTGTGGTCTCAATGGTGGCTTCTT[G>A]AGGTAAGGTTCTTTCATTCATGTTCCAGGTGACGGTTGGAGGAGGCTTTCCAGACACATA-3'